The following is an entry in ClinVar:

ClinVar aggregate classification (germline): Likely benign (1 of 4 stars; one submission).

Allele frequency attached by ClinVar (database versions not stated): 1000 Genomes Project 0.02696; 1000 Genomes Project 30x 0.02842; gnomAD 0.02851 and 0.03006; TOPMed 0.03286.
gnomAD v4.1: 4,477 of 152,272 alleles (2.9%); highest among the groups gnomAD compares: African/African-American, 4.9%; 89 homozygotes.

Submission:

GeneDx
Classification: Likely benign. Last evaluated: 2018-06-14. Review status: criteria provided, single submitter. Criteria: GeneDx Variant Classification (06012015). Collection method: clinical testing. Allele origin: germline. Affected: yes.
Comment: This variant is considered likely benign or benign based on one or more of the following criteria: it is a conservative change, it occurs at a poorly conserved position in the protein, it is predicted to be benign by multiple in silico algorithms, and/or has population frequency not consistent with disease.

NM_001232.4(CASQ2):c.939+268G>A

Gene: CASQ2 (calsequestrin 2; minus strand). Cytogenetic location: 1p13.1.
Variant type: single nucleotide variant.
Coding change: c.939+268G>A on transcript NM_001232.4 (MANE Select); 268 bases into the intron after coding-DNA position 939, G replaced by A.
Molecular consequence: intron variant.
Genome position (GRCh38, 1-based): chr1:115,704,924, C>T on the plus strand (G>A on the coding strand, the complement: CASQ2 is on the minus strand). VCF-style: chr1-115704924-C-T. GRCh37 (hg19) VCF-style: chr1-116247545-C-T.
Identifiers: ClinVar variation 669805 (VCV000669805.1), dbSNP rs72703604, ClinGen allele CA29614213.
Genomic context (GRCh38, chr1:115,704,924, plus strand): 5'-AATAAAAGTAGTTCTGGGGACTGGGAATGGAGTGATGAGGGGCAGCTCTGGAGCTGCTGC[C>T]GAAGGAGTTTACCCTGCTCACTTGGGTGGGACCCCGAGGGTCAAGGGTTTTCAACTCCTG-3'